The following is an entry in ClinVar:

NM_002240.5(KCNJ6):c.327G>A (p.Met109Ile)

Genes: KCNJ6 (potassium inwardly rectifying channel subfamily J member 6; minus strand), KCNJ6-AS1 (KCNJ6 antisense RNA 1; plus strand). Cytogenetic location: 21q22.13.
Variant type: single nucleotide variant.
Coding change: c.327G>A on transcript NM_002240.5 (MANE Select); coding-DNA position 327, G replaced by A.
Protein change: p.Met109Ile; replaces methionine 109 with isoleucine.
Molecular consequence: missense variant. On other transcripts: non-coding transcript variant (1).
Genome position (GRCh38, 1-based): chr21:37,714,830, C>T on the plus strand (G>A on the coding strand, the complement: KCNJ6 is on the minus strand). VCF-style: chr21-37714830-C-T. GRCh37 (hg19) VCF-style: chr21-39087133-C-T.
Other names: short protein forms M109I.
Identifiers: ClinVar variation 3032593 (VCV003032593.2), dbSNP rs2518197091, ClinGen allele CA409969069.

ClinVar aggregate classification (germline): Uncertain significance (0 of 4 stars; one submission).

Conditions:
KCNJ6-related disorder. Also called: KCNJ6-related condition.

Submission:

PreventionGenetics, part of Exact Sciences
Classification: Uncertain significance for KCNJ6-related condition. Last evaluated: 2023-10-28. Review status: no assertion criteria provided. Collection method: clinical testing. Allele origin: germline.
Comment: The KCNJ6 c.327G>A variant is predicted to result in the amino acid substitution p.Met109Ile. To our knowledge, this variant has not been reported in the literature or in a large population database, indicating this variant is rare. At this time, the clinical significance of this variant is uncertain due to the absence of conclusive functional and genetic evidence.